The following is an entry in ClinVar:

NM_014141.6(CNTNAP2):c.2517T>C (p.Asn839=)

Gene: CNTNAP2 (contactin associated protein 2; plus strand). Cytogenetic location: 7q35.
Variant type: single nucleotide variant.
Coding change: c.2517T>C on transcript NM_014141.6 (MANE Select); coding-DNA position 2517, T replaced by C.
Protein change: p.Asn839=; no amino-acid change (asparagine 839 retained).
Molecular consequence: synonymous variant.
Genome position (GRCh38, 1-based): chr7:148,118,251, T>C. VCF-style: chr7-148118251-T-C. GRCh37 (hg19) VCF-style: chr7-147815343-T-C.
Identifiers: ClinVar variation 506742 (VCV000506742.13), dbSNP rs143358892, ClinGen allele CA4546415.

ClinVar aggregate classification (germline): Likely benign. Review status: criteria provided, multiple submitters, no conflicts (2 of 4 stars). 3 submissions from 3 submitters: Likely benign (3). Last evaluated 2025-12-29.

Conditions:
Cortical dysplasia-focal epilepsy syndrome (PTHSL1). Also called: Pitt-Hopkins-like syndrome 1. Identifiers: Orphanet 163681, Orphanet 221150, MedGen C2750246, MONDO:0012400, OMIM 610042.

Allele frequency attached by ClinVar (database versions not stated): ExAC 0.00006; gnomAD exomes 0.00007 and 0.00008; gnomAD 0.00011 and 0.00012; TOPMed 0.00011; ESP Exome Variant Server 0.00023.
gnomAD v4.1: 122 of 1,613,964 alleles (0.0076%); highest among the groups gnomAD compares: Admixed American, 0.027%; no homozygotes.

Submissions (3):

Labcorp Genetics (formerly Invitae), Labcorp
Classification: Likely benign for Cortical dysplasia-focal epilepsy syndrome. Last evaluated: 2025-12-29. Review status: criteria provided, single submitter. Criteria: Invitae Variant Classification Sherloc (09022015). Collection method: clinical testing. Allele origin: germline.

Blueprint Genetics
Classification: Likely benign. Last evaluated: 2024-01-03. Review status: criteria provided, single submitter. Criteria: ACMG Guidelines, 2015. Collection method: clinical testing. Allele origin: germline.

GeneDx
Classification: Likely benign. Last evaluated: 2018-01-10. Review status: criteria provided, single submitter. Criteria: GeneDx Variant Classification (06012015). Collection method: clinical testing. Allele origin: germline. Affected: yes.
Comment: This variant is considered likely benign or benign based on one or more of the following criteria: it is a conservative change, it occurs at a poorly conserved position in the protein, it is predicted to be benign by multiple in silico algorithms, and/or has population frequency not consistent with disease.